The following is an entry in ClinVar:

NM_001012614.2(CTBP1):c.1269C>A (p.Asp423Glu)

Genes: CTBP1 (C-terminal binding protein 1; minus strand), CTBP1-AS (CTBP1 antisense RNA; plus strand). Cytogenetic location: 4p16.3.
Variant type: single nucleotide variant.
Coding change: c.1269C>A on transcript NM_001012614.2 (MANE Select); coding-DNA position 1269, C replaced by A.
Protein change: p.Asp423Glu; replaces aspartic acid 423 with glutamic acid.
Molecular consequence: missense variant. On other transcripts: non-coding transcript variant (1).
Genome position (GRCh38, 1-based): chr4:1,212,261, G>T on the plus strand (C>A on the coding strand, the complement: CTBP1 is on the minus strand). VCF-style: chr4-1212261-G-T. GRCh37 (hg19) VCF-style: chr4-1206049-G-T.
Other names: c.1302C>A, p.Asp434Glu (NM_001328.3); c.1305C>A, p.Asp435Glu (NM_001377186.1); c.1272C>A, p.Asp424Glu (NM_001377187.1, NM_001377188.1, NM_001377189.1 and 1 more transcripts); c.1269C>A, p.Asp423Glu (NM_001377191.1, NM_001377192.1, NM_001377193.1); short protein forms D423E, D424E, D434E, D435E.
Identifiers: ClinVar variation 3359669 (VCV003359669.1).
Genomic context (GRCh38, chr4:1,212,261, plus strand): 5'-CCTCTGCCCAGGCGCCGAGGCTGGAGAGCTCCTCCCGGGCTACAACTGGTCACTGGCGTG[G>T]TCTCTATCCGCCTCGGGCTTGACGGTTTGGCCAGGAGAAGGGGCGTGGGGCGGGTGGGCC-3'
Protein context (NP_001012632.1, residues 413-429): GQTVKPEADR[Asp423Glu]HASDQL

ClinVar aggregate classification (germline): Uncertain significance (1 of 4 stars; one submission).

gnomAD v4.1: 1 of 1,506,862 alleles (0.000066%); no homozygotes.

Submission:

GeneDx
Classification: Uncertain significance. Last evaluated: 2023-06-12. Review status: criteria provided, single submitter. Criteria: GeneDx Variant Classification Process June 2021. Collection method: clinical testing. Allele origin: germline. Affected: yes.
Comment: Not observed at significant frequency in large population cohorts (gnomAD); In silico analysis supports that this missense variant does not alter protein structure/function; Has not been previously published as pathogenic or benign to our knowledge